The following is an entry in ClinVar:

ClinVar aggregate classification (germline): Uncertain significance (1 of 4 stars; one submission).

Conditions:
Progressive microcephaly-seizures-cortical blindness-developmental delay syndrome. Also called: Seizures, cortical blindness, and microcephaly syndrome. Identifiers: Orphanet 477814, MedGen C5567650, MONDO:0014714, OMIM 616632.
Autosomal dominant nonsyndromic hearing loss 1. Also called: KONIGSMARK SYNDROME; DEAFNESS, AUTOSOMAL DOMINANT 1, WITH OR WITHOUT THROMBOCYTOPENIA. Identifiers: Orphanet 90635, MedGen C1852282, MONDO:0007424, OMIM 124900.

Allele frequency attached by ClinVar (database versions not stated): ESP Exome Variant Server 0.00008.

Submission:

Labcorp Genetics (formerly Invitae), Labcorp
Classification: Uncertain significance for Progressive microcephaly-seizures-cortical blindness-developmental delay syndrome; Autosomal dominant nonsyndromic hearing loss 1. Last evaluated: 2021-09-24. Review status: criteria provided, single submitter. Criteria: Invitae Variant Classification Sherloc (09022015). Collection method: clinical testing. Allele origin: germline.
Comment: Algorithms developed to predict the effect of missense changes on protein structure and function are either unavailable or do not agree on the potential impact of this missense change (SIFT: "Deleterious"; PolyPhen-2: "Probably Damaging"; Align-GVGD: "Class C0"). In summary, the available evidence is currently insufficient to determine the role of this variant in disease. Therefore, it has been classified as a Variant of Uncertain Significance. This variant has not been reported in the literature in individuals affected with DIAPH1-related conditions. This variant is not present in population databases (ExAC no frequency). This sequence change replaces methionine with leucine at codon 1111 of the DIAPH1 protein (p.Met1111Leu). The methionine residue is highly conserved and there is a small physicochemical difference between methionine and leucine.

NM_005219.5(DIAPH1):c.3331A>T (p.Met1111Leu)

Gene: DIAPH1 (diaphanous related formin 1; minus strand). Cytogenetic location: 5q31.3.
Variant type: single nucleotide variant.
Coding change: c.3331A>T on transcript NM_005219.5 (MANE Select); coding-DNA position 3331, A replaced by T.
Protein change: p.Met1111Leu; replaces methionine 1111 with leucine.
Molecular consequence: missense variant.
Genome position (GRCh38, 1-based): chr5:141,526,404, T>A on the plus strand (A>T on the coding strand, the complement: DIAPH1 is on the minus strand). VCF-style: chr5-141526404-T-A. GRCh37 (hg19) VCF-style: chr5-140905971-T-A.
Other names: c.3304A>T, p.Met1102Leu (NM_001079812.3); c.3331A>T, p.Met1111Leu (NM_001314007.2); short protein forms M1102L, M1111L.
Identifiers: ClinVar variation 1474581 (VCV001474581.6), dbSNP rs371161306, ClinGen allele CA128423952.
Genomic context (GRCh38, chr5:141,526,404, plus strand): 5'-CAGACAACTTCTTGGGGTCAAAGAGGAAGTACTCGCCCAGCTCCTTATAGAGGGTCTCCA[T>A]GTTAGAATGCATCATCCGCAGCTTGTTATACTGTTCCTGTGCATCCTTCACAAAGCTGTG-3'
Protein context (NP_005210.3, residues 1101-1121): YNKLRMMHSN[Met1111Leu]ETLYKELGEY